The following is an entry in ClinVar:

ClinVar aggregate classification (germline): Conflicting classifications of pathogenicity. Review status: criteria provided, conflicting classifications (1 of 4 stars). 7 submissions from 4 submitters: Uncertain significance (4); Benign (1); Likely benign (2). Last evaluated 2026-01-11.

Conditions:
Age related macular degeneration 4. Identifiers: MedGen C1853147, MONDO:0012540, OMIM 610698.
Hemolytic uremic syndrome, atypical, susceptibility to, 1. Also called: AHUS, SUSCEPTIBILITY TO, 1. Identifiers: Orphanet 2134, Orphanet 90038, MedGen C2749604, MONDO:0009335, OMIM 235400. Disease mechanism: Other.
Factor H deficiency (CFHD). Also called: CFH DEFICIENCY; COMPLEMENT FACTOR H DEFICIENCY. Identifiers: Orphanet 200421, MedGen C0398777, MONDO:0012350, OMIM 609814.
Basal laminar drusen. Also called: DRUSEN OF BRUCH MEMBRANE; DRUSEN, CUTICULAR; DRUSEN, EARLY ADULT-ONSET, GROUPED. Identifiers: Orphanet 75376, MedGen C0730295, MONDO:0007472, OMIM 126700.
CFH-Related Dense Deposit Disease / Membranoproliferative Glomerulonephritis Type II. Identifiers: MedGen CN071292.

Allele frequency attached by ClinVar (database versions not stated): gnomAD exomes 0.00002 and 0.00011; gnomAD 0.00004 and 0.00005; TOPMed 0.00005; ExAC 0.00012; 1000 Genomes Project 0.00040; 1000 Genomes Project 30x 0.00062.
gnomAD v4.1: 42 of 1,613,748 alleles (0.0026%); highest among the groups gnomAD compares: East Asian, 0.094%; no homozygotes.

Submissions (7):

Labcorp Genetics (formerly Invitae), Labcorp
Classification: Uncertain significance. Last evaluated: 2026-01-11. Review status: criteria provided, single submitter. Criteria: Invitae Variant Classification Sherloc (09022015). Collection method: clinical testing. Allele origin: germline.
Comment: This sequence change replaces valine, which is neutral and non-polar, with alanine, which is neutral and non-polar, at codon 579 of the CFH protein (p.Val579Ala). This variant is present in population databases (rs201411537, gnomAD 0.2%). This variant has not been reported in the literature in individuals affected with CFH-related conditions. ClinVar contains an entry for this variant (Variation ID: 294495). An algorithm developed to predict the effect of missense changes on protein structure and function (PolyPhen-2) suggests that this variant is likely to be tolerated. In summary, the available evidence is currently insufficient to determine the role of this variant in disease. Therefore, it has been classified as a Variant of Uncertain Significance.

Genomenon, Inc
Classification: Likely benign for Age related macular degeneration 4. Last evaluated: 2025-10-02. Review status: criteria provided, single submitter. Criteria: Genomenon Sequence Variant Interpretation Standards - Updated. Collection method: curation. Allele origin: germline. Affected: yes.
Comment: CFH p.Val579Ala (c.1736T>C) is a missense variant that changes the amino acid at residue 579 from Valine to Alanine. This variant has been observed in at least one proband affected with age-related macular degeneration (PMID:18421087,29686068) and also in a control individual (PMID:18421087). In silico models agree that this variant is not damaging. This variant’s allele frequency in gnomAD is greater than expected for this disorder. In conclusion, we classify CFH p.Val579Ala (c.1736T>C) as a likely benign variant.

Fulgent Genetics
Classification: Uncertain significance for Basal laminar drusen; Hemolytic uremic syndrome, atypical, susceptibility to, 1; Factor H deficiency; Age related macular degeneration 4. Last evaluated: 2024-04-09. Review status: criteria provided, single submitter. Criteria: ACMG Guidelines, 2015. Collection method: clinical testing. Allele origin: germline.

Illumina Laboratory Services, Illumina
Classification: Benign for Hemolytic uremic syndrome, atypical, susceptibility to, 1. Last evaluated: 2018-01-13. Review status: criteria provided, single submitter. Criteria: ICSL Variant Classification Criteria 13 December 2019. Collection method: clinical testing. Allele origin: germline.
Comment: This variant was observed in the ICSL laboratory as part of a predisposition screen in an ostensibly healthy population. It had not been previously curated by ICSL or reported in the Human Gene Mutation Database (HGMD: prior to June 1st, 2018), and was therefore a candidate for classification through an automated scoring system. Utilizing variant allele frequency, disease prevalence and penetrance estimates, and inheritance mode, an automated score was calculated to assess if this variant is too frequent to cause the disease. Based on the score and internal cut-off values, a variant classified as benign is not then subjected to further curation. The score for this variant resulted in a classification of benign for this disease.

Illumina Laboratory Services, Illumina
Classification: Likely benign for Age related macular degeneration 4. Last evaluated: 2018-01-13. Review status: criteria provided, single submitter. Criteria: ICSL Variant Classification Criteria 13 December 2019. Collection method: clinical testing. Allele origin: germline.
Comment: This variant was observed in the ICSL laboratory as part of a predisposition screen in an ostensibly healthy population. It had not been previously curated by ICSL or reported in the Human Gene Mutation Database (HGMD: prior to June 1st, 2018), and was therefore a candidate for classification through an automated scoring system. Utilizing variant allele frequency, disease prevalence and penetrance estimates, and inheritance mode, an automated score was calculated to assess if this variant is too frequent to cause the disease. Based on the score and internal cut-off values, a variant classified as likely benign is not then subjected to further curation. The score for this variant resulted in a classification of likely benign for this disease.

Illumina Laboratory Services, Illumina
Classification: Uncertain significance for Basal laminar drusen. Last evaluated: 2018-01-13. Review status: criteria provided, single submitter. Criteria: ICSL Variant Classification Criteria 13 December 2019. Collection method: clinical testing. Allele origin: germline.

Illumina Laboratory Services, Illumina
Classification: Uncertain significance for Membranoproliferative glomerulonephritis with complement factor h deficiency. Last evaluated: 2018-01-13. Review status: criteria provided, single submitter. Criteria: ICSL Variant Classification Criteria 13 December 2019. Collection method: clinical testing. Allele origin: germline.

Literature cited by the submitters: PubMed 18421087 (cited by Genomenon, Inc); PubMed 29686068 (cited by Genomenon, Inc).

NM_000186.4(CFH):c.1736T>C (p.Val579Ala)

Gene: CFH (complement factor H; plus strand). Cytogenetic location: 1q31.3.
Variant type: single nucleotide variant.
Coding change: c.1736T>C on transcript NM_000186.4 (MANE Select); coding-DNA position 1736, T replaced by C.
Protein change: p.Val579Ala; replaces valine 579 with alanine.
Molecular consequence: missense variant.
Genome position (GRCh38, 1-based): chr1:196,725,160, T>C. VCF-style: chr1-196725160-T-C. GRCh37 (hg19) VCF-style: chr1-196694290-T-C.
Other names: short protein forms V579A.
Identifiers: ClinVar variation 294495 (VCV000294495.12), dbSNP rs201411537, ClinGen allele CA1305475.